The following is an entry in ClinVar:

NM_000283.4(PDE6B):c.976G>A (p.Glu326Lys)

Genes: PDE6B (phosphodiesterase 6B; plus strand), PDE6B-AS1 (PDE6B antisense RNA 1; minus strand). Cytogenetic location: 4p16.3.
Variant type: single nucleotide variant.
Coding change: c.976G>A on transcript NM_000283.4 (MANE Select); coding-DNA position 976, G replaced by A.
Protein change: p.Glu326Lys; replaces glutamic acid 326 with lysine.
Molecular consequence: missense variant. On other transcripts: 5 prime UTR variant (1).
Genome position (GRCh38, 1-based): chr4:654,872, G>A. VCF-style: chr4-654872-G-A. GRCh37 (hg19) VCF-style: chr4-648661-G-A.
Other names: c.976G>A, p.Glu326Lys (NM_001145291.2); c.139G>A, p.Glu47Lys (NM_001145292.2, NM_001350154.3, NM_001379246.1 and 1 more transcripts); c.-65G>A (NM_001350155.3); short protein forms E326K, E47K.
Identifiers: ClinVar variation 1930836 (VCV001930836.5), dbSNP rs1736020119, ClinGen allele CA355912230.

ClinVar aggregate classification (germline): Uncertain significance (1 of 4 stars; one submission).

Allele frequency attached by ClinVar (database versions not stated): gnomAD exomes below 0.00001.
gnomAD v4.1: 1 of 1,554,970 alleles (0.000064%); highest among the groups gnomAD compares: Non-Finnish European, 0.000089%; no homozygotes.

Submission:

Labcorp Genetics (formerly Invitae), Labcorp
Classification: Uncertain significance. Last evaluated: 2022-09-27. Review status: criteria provided, single submitter. Criteria: Invitae Variant Classification Sherloc (09022015). Collection method: clinical testing. Allele origin: germline.
Comment: This sequence change replaces glutamic acid, which is acidic and polar, with lysine, which is basic and polar, at codon 326 of the PDE6B protein (p.Glu326Lys). This variant is not present in population databases (gnomAD no frequency). This variant has not been reported in the literature in individuals affected with PDE6B-related conditions. Advanced modeling of protein sequence and biophysical properties (such as structural, functional, and spatial information, amino acid conservation, physicochemical variation, residue mobility, and thermodynamic stability) has been performed at Invitae for this missense variant, however the output from this modeling did not meet the statistical confidence thresholds required to predict the impact of this variant on PDE6B protein function. In summary, the available evidence is currently insufficient to determine the role of this variant in disease. Therefore, it has been classified as a Variant of Uncertain Significance.